The following is an entry in ClinVar:

ClinVar aggregate classification (germline): Likely benign. Review status: criteria provided, multiple submitters, no conflicts (2 of 4 stars). 2 submissions from 2 submitters: Likely benign (2). Last evaluated 2026-03-01.

Allele frequency attached by ClinVar (database versions not stated): TOPMed below 0.00001.

Submissions (2):

CeGaT Center for Human Genetics Tuebingen
Classification: Likely benign. Last evaluated: 2026-03-01. Review status: criteria provided, single submitter. Criteria: CeGaT Center For Human Genetics Tuebingen Variant Classification Criteria Version 2. Collection method: clinical testing. Allele origin: germline. Affected: yes. Observed: 1 variant allele.
Comment: PACS2: PM2:Supporting, BP4, BP7

Labcorp Genetics (formerly Invitae), Labcorp
Classification: Likely benign. Last evaluated: 2025-04-10. Review status: criteria provided, single submitter. Criteria: Invitae Variant Classification Sherloc (09022015). Collection method: clinical testing. Allele origin: germline.

NM_001100913.3(PACS2):c.822C>T (p.Asp274=)

Gene: PACS2 (phosphofurin acidic cluster sorting protein 2; plus strand). Cytogenetic location: 14q32.33.
Variant type: single nucleotide variant.
Coding change: c.822C>T on transcript NM_001100913.3 (MANE Select); coding-DNA position 822, C replaced by T.
Protein change: p.Asp274=; no amino-acid change (aspartic acid 274 retained).
Molecular consequence: synonymous variant.
Genome position (GRCh38, 1-based): chr14:105,376,788, C>T. VCF-style: chr14-105376788-C-T. GRCh37 (hg19) VCF-style: chr14-105843125-C-T.
Other names: c.597C>T, p.Asp199= (NM_001243127.3); c.822C>T, p.Asp274= (NM_015197.4).
Identifiers: ClinVar variation 2996829 (VCV002996829.7), dbSNP rs1201954528, ClinGen allele CA488203493.